The following is an entry in ClinVar:

ClinVar aggregate classification (germline): Uncertain significance. Review status: criteria provided, multiple submitters, no conflicts (2 of 4 stars). 2 submissions from 2 submitters: Uncertain significance (2). Last evaluated 2025-08-09.

gnomAD v4.1: 365 of 1,551,190 alleles (0.024%); highest among the groups gnomAD compares: East Asian, 0.47%; 1 homozygote.

Submissions (2):

GeneDx
Classification: Uncertain significance. Last evaluated: 2025-08-09. Review status: criteria provided, single submitter. Criteria: GeneDx Variant Classification Process June 2021. Collection method: clinical testing. Allele origin: germline. Affected: yes.
Comment: In silico analysis supports that this missense variant has a deleterious effect on protein structure/function; Has not been previously published as pathogenic or benign to our knowledge

Blueprint Genetics
Classification: Uncertain significance. Last evaluated: 2024-08-08. Review status: criteria provided, single submitter. Criteria: ACMG Guidelines, 2015. Collection method: clinical testing. Allele origin: germline.

NM_001145026.2(PTPRQ):c.6557G>A (p.Arg2186Gln)

Gene: PTPRQ (protein tyrosine phosphatase receptor type Q; plus strand). Cytogenetic location: 12q21.31.
Variant type: single nucleotide variant.
Coding change: c.6557G>A on transcript NM_001145026.2 (MANE Select); coding-DNA position 6557, G replaced by A.
Protein change: p.Arg2186Gln; replaces arginine 2186 with glutamine.
Molecular consequence: missense variant.
Genome position (GRCh38, 1-based): chr12:80,670,447, G>A. VCF-style: chr12-80670447-G-A. GRCh37 (hg19) VCF-style: chr12-81064226-G-A.
Other names: short protein forms R2186Q.
Identifiers: ClinVar variation 4755699 (VCV004755699.2).